The following is an entry in ClinVar:

ClinVar aggregate classification (germline): Uncertain significance (1 of 4 stars; one submission).

Conditions:
Immunodeficiency 19 (IMD19). Also called: IMMUNODEFICIENCY 19, SEVERE COMBINED; CD3-DELTA DEFICIENCY; SEVERE COMBINED IMMUNODEFICIENCY, T CELL-NEGATIVE, B CELL-POSITIVE, NK CELL-POSITIVE; SCID, T CELL-NEGATIVE, B CELL-POSITIVE, NK CELL-POSITIVE. Identifiers: MedGen C3810147, MONDO:0014280, OMIM 615617.

Allele frequency attached by ClinVar (database versions not stated): gnomAD exomes below 0.00001 and 0.00001; TOPMed below 0.00001; ESP Exome Variant Server 0.00008.
gnomAD v4.1: 3 of 1,614,064 alleles (0.00019%); highest among the groups gnomAD compares: Non-Finnish European, 0.00017%; no homozygotes.

Submission:

Labcorp Genetics (formerly Invitae), Labcorp
Classification: Uncertain significance for Immunodeficiency 19. Last evaluated: 2021-09-01. Review status: criteria provided, single submitter. Criteria: Invitae Variant Classification Sherloc (09022015). Collection method: clinical testing. Allele origin: germline.
Comment: This sequence change replaces tyrosine with histidine at codon 71 of the CD3D protein (p.Tyr71His). The tyrosine residue is highly conserved and there is a moderate physicochemical difference between tyrosine and histidine. This variant is not present in population databases (ExAC no frequency). This variant has not been reported in the literature in individuals affected with CD3D-related conditions. Algorithms developed to predict the effect of missense changes on protein structure and function are either unavailable or do not agree on the potential impact of this missense change (SIFT: "Deleterious"; PolyPhen-2: "Probably Damaging"; Align-GVGD: "Class C15"). In summary, the available evidence is currently insufficient to determine the role of this variant in disease. Therefore, it has been classified as a Variant of Uncertain Significance.

NM_000732.6(CD3D):c.211T>C (p.Tyr71His)

Gene: CD3D (CD3 delta subunit of T-cell receptor complex; minus strand). Cytogenetic location: 11q23.3.
Variant type: single nucleotide variant.
Coding change: c.211T>C on transcript NM_000732.6 (MANE Select); coding-DNA position 211, T replaced by C.
Protein change: p.Tyr71His; replaces tyrosine 71 with histidine.
Molecular consequence: missense variant.
Genome position (GRCh38, 1-based): chr11:118,340,438, A>G on the plus strand (T>C on the coding strand, the complement: CD3D is on the minus strand). VCF-style: chr11-118340438-A-G. GRCh37 (hg19) VCF-style: chr11-118211153-A-G.
Other names: c.211T>C, p.Tyr71His (NM_001040651.2); short protein forms Y71H.
Identifiers: ClinVar variation 656796 (VCV000656796.8), dbSNP rs377725940, ClinGen allele CA229522748.